The following is an entry in ClinVar:

ClinVar aggregate classification (germline): Uncertain significance. Review status: criteria provided, multiple submitters, no conflicts (2 of 4 stars). 2 submissions from 2 submitters: Uncertain significance (2). Last evaluated 2025-06-18.

Conditions:
Inborn genetic diseases. Identifiers: MedGen C0950123, MeSH D030342.
Mitochondrial trifunctional protein deficiency. Identifiers: Orphanet 746, MedGen C1969443, MONDO:0012172.
Long chain 3-hydroxyacyl-CoA dehydrogenase deficiency. Also called: Deficiency of long-chain 3-hydroxyacyl-coenzyme A dehydrogenase; LCHAD Deficiency. Identifiers: Orphanet 5, MedGen C3711645, MONDO:0012173, OMIM 609016.

Allele frequency attached by ClinVar (database versions not stated): gnomAD exomes below 0.00001 and 0.00001; gnomAD 0.00001; TOPMed 0.00002.
gnomAD v4.1: 5 of 1,609,294 alleles (0.00031%); highest among the groups gnomAD compares: Admixed American, 0.0083%; no homozygotes.

Submissions (2):

Ambry Genetics
Classification: Uncertain significance for Inborn genetic diseases. Last evaluated: 2025-06-18. Review status: criteria provided, single submitter. Criteria: Ambry Variant Classification Scheme 2023. Collection method: clinical testing. Allele origin: germline.

Labcorp Genetics (formerly Invitae), Labcorp
Classification: Uncertain significance for Mitochondrial trifunctional protein deficiency; Long chain 3-hydroxyacyl-CoA dehydrogenase deficiency. Last evaluated: 2024-08-29. Review status: criteria provided, single submitter. Criteria: Invitae Variant Classification Sherloc (09022015). Collection method: clinical testing. Allele origin: germline.
Comment: This sequence change replaces aspartic acid, which is acidic and polar, with glycine, which is neutral and non-polar, at codon 653 of the HADHA protein (p.Asp653Gly). This variant is present in population databases (no rsID available, gnomAD 0.009%). This variant has not been reported in the literature in individuals affected with HADHA-related conditions. ClinVar contains an entry for this variant (Variation ID: 1450039). Invitae Evidence Modeling of protein sequence and biophysical properties (such as structural, functional, and spatial information, amino acid conservation, physicochemical variation, residue mobility, and thermodynamic stability) indicates that this missense variant is not expected to disrupt HADHA protein function with a negative predictive value of 80%. In summary, the available evidence is currently insufficient to determine the role of this variant in disease. Therefore, it has been classified as a Variant of Uncertain Significance.

NM_000182.5(HADHA):c.1958A>G (p.Asp653Gly)

Genes: GAREM2 (GRB2 associated regulator of MAPK1 subtype 2; plus strand), HADHA (hydroxyacyl-CoA dehydrogenase trifunctional multienzyme complex subunit alpha; minus strand). Cytogenetic location: 2p23.3.
Variant type: single nucleotide variant.
Coding change: c.1958A>G on transcript NM_000182.5 (MANE Select); coding-DNA position 1958, A replaced by G.
Protein change: p.Asp653Gly; replaces aspartic acid 653 with glycine.
Molecular consequence: missense variant.
Genome position (GRCh38, 1-based): chr2:26,192,352, T>C on the plus strand (A>G on the coding strand, the complement: HADHA is on the minus strand). VCF-style: chr2-26192352-T-C. GRCh37 (hg19) VCF-style: chr2-26415221-T-C.
Other names: c.1958A>G (NM_000182.4); short protein forms D653G.
Identifiers: ClinVar variation 1450039 (VCV001450039.8), dbSNP rs1214955457, ClinGen allele CA346114725.